The following is an entry in ClinVar:

NM_005560.6(LAMA5):c.7112G>A (p.Arg2371His)

Gene: LAMA5 (laminin subunit alpha 5; minus strand). Cytogenetic location: 20q13.33.
Variant type: single nucleotide variant.
Coding change: c.7112G>A on transcript NM_005560.6 (MANE Select); coding-DNA position 7112, G replaced by A.
Protein change: p.Arg2371His; replaces arginine 2371 with histidine.
Molecular consequence: missense variant.
Genome position (GRCh38, 1-based): chr20:62,318,581, C>T on the plus strand (G>A on the coding strand, the complement: LAMA5 is on the minus strand). VCF-style: chr20-62318581-C-T. GRCh37 (hg19) VCF-style: chr20-60893637-C-T.
Other names: p.Arg2371His; c.7112G>A (NM_005560.4); short protein forms R2371H.
Identifiers: ClinVar variation 871096 (VCV000871096.49), dbSNP rs138002973, ClinGen allele CA9941421.

ClinVar aggregate classification (germline): Likely benign. Review status: criteria provided, multiple submitters, no conflicts (2 of 4 stars). 5 submissions from 5 submitters: Likely benign (4). 1 of the submissions does not count toward it. Last evaluated 2026-08-01.

Conditions:
LAMA5-related disorder. Also called: LAMA5-Related Disorders; LAMA5-related condition.

Allele frequency attached by ClinVar (database versions not stated): 1000 Genomes Project 0.00060; TOPMed 0.00139; ESP Exome Variant Server 0.00163; 1000 Genomes Project 30x 0.00047.
gnomAD v4.1: 2,384 of 1,610,706 alleles (0.15%); highest among the groups gnomAD compares: Non-Finnish European, 0.18%; 1 homozygote.

Submissions (5):

CeGaT Center for Human Genetics Tuebingen
Classification: Likely benign. Last evaluated: 2026-08-01. Review status: criteria provided, single submitter. Criteria: CeGaT Center For Human Genetics Tuebingen Variant Classification Criteria Version 2. Collection method: clinical testing. Allele origin: germline. Affected: yes. Observed: 2 variant alleles.
Comment: LAMA5: BP4

Labcorp Genetics (formerly Invitae), Labcorp
Classification: Likely benign. Last evaluated: 2025-12-21. Review status: criteria provided, single submitter. Criteria: Invitae Variant Classification Sherloc (09022015). Collection method: clinical testing. Allele origin: germline.

Mayo Clinic Laboratories, Mayo Clinic
Classification: Likely benign. Last evaluated: 2025-06-27. Review status: criteria provided, single submitter. Criteria: ACMG Guidelines, 2015. Collection method: clinical testing. Allele origin: germline. Observed: 1 variant allele.
Comment: BS1, BP4_moderate

Blueprint Genetics
Classification: Likely benign. Last evaluated: 2024-11-25. Review status: criteria provided, single submitter. Criteria: ACMG Guidelines, 2015. Collection method: clinical testing. Allele origin: germline.

PreventionGenetics, part of Exact Sciences
Classification: Likely benign for LAMA5-related condition. Last evaluated: 2022-12-21. Review status: no assertion criteria provided. Collection method: clinical testing. Allele origin: germline. Not counted in ClinVar's aggregate classification.
Comment: This variant is classified as likely benign based on ACMG/AMP sequence variant interpretation guidelines (Richards et al. 2015 PMID: 25741868, with internal and published modifications).

Literature cited by the submitters: PubMed 34120753 (cited by Mayo Clinic Laboratories, Mayo Clinic).